The following is an entry in ClinVar:

ClinVar aggregate classification (germline): Uncertain significance. Review status: criteria provided, multiple submitters, no conflicts (2 of 4 stars). 2 submissions from 2 submitters: Uncertain significance (2). Last evaluated 2025-01-21.

Conditions:
Cardiovascular phenotype. Identifiers: MedGen CN230736.

Allele frequency attached by ClinVar (database versions not stated): ExAC 0.00002; 1000 Genomes Project 30x 0.00078.

Submissions (2):

Ambry Genetics
Classification: Uncertain significance for Cardiovascular phenotype. Last evaluated: 2025-01-21. Review status: criteria provided, single submitter. Criteria: Ambry Variant Classification Scheme 2023. Collection method: clinical testing. Allele origin: germline.
Comment: The p.D1256H variant (also known as c.3766G>C), located in coding exon 8 of the ALMS1 gene, results from a G to C substitution at nucleotide position 3766. The aspartic acid at codon 1256 is replaced by histidine, an amino acid with similar properties. This amino acid position is not well conserved in available vertebrate species. In addition, this alteration is predicted to be tolerated by in silico analysis. Based on the available evidence, the clinical significance of this variant remains unclear.

Women's Health and Genetics/Laboratory Corporation of America, LabCorp
Classification: Uncertain significance. Last evaluated: 2023-10-23. Review status: criteria provided, single submitter. Criteria: LabCorp Variant Classification Summary - May 2015. Collection method: clinical testing. Allele origin: germline.

NM_001378454.1(ALMS1):c.3763G>C (p.Asp1255His)

Gene: ALMS1 (ALMS1 centrosome and basal body associated protein; plus strand). Cytogenetic location: 2p13.1.
Variant type: single nucleotide variant.
Coding change: c.3763G>C on transcript NM_001378454.1 (MANE Select); coding-DNA position 3763, G replaced by C.
Protein change: p.Asp1255His; replaces aspartic acid 1255 with histidine.
Molecular consequence: missense variant.
Genome position (GRCh38, 1-based): chr2:73,450,290, G>C. VCF-style: chr2-73450290-G-C. GRCh37 (hg19) VCF-style: chr2-73677417-G-C.
Other names: c.3766G>C, p.Asp1256His (NM_015120.4); short protein forms D1255H, D1256H.
Identifiers: ClinVar variation 2248560 (VCV002248560.4), dbSNP rs777533263, ClinGen allele CA1713588.